The following is an entry in ClinVar:

ClinVar aggregate classification (germline): Uncertain significance. Review status: criteria provided, multiple submitters, no conflicts (2 of 4 stars). 2 submissions from 2 submitters: Uncertain significance (2). Last evaluated 2022-05-29.

Conditions:
Neuromuscular disease caused by qualitative or quantitative defects of dysferlin. Also called: Qualitative or quantitative defects of dysferlin; Dysferlinopathy. Identifiers: Orphanet 207073, MedGen C2931687, MONDO:0016145.

Allele frequency attached by ClinVar (database versions not stated): gnomAD exomes below 0.00001 and 0.00001; ExAC 0.00001; gnomAD 0.00001; TOPMed 0.00001.
gnomAD v4.1: 17 of 1,613,952 alleles (0.0011%); highest among the groups gnomAD compares: East Asian, 0.0022%; no homozygotes.

Submissions (2):

Labcorp Genetics (formerly Invitae), Labcorp
Classification: Uncertain significance for Neuromuscular disease caused by qualitative or quantitative defects of dysferlin. Last evaluated: 2022-05-29. Review status: criteria provided, single submitter. Criteria: Invitae Variant Classification Sherloc (09022015). Collection method: clinical testing. Allele origin: germline.
Comment: This sequence change replaces arginine, which is basic and polar, with cysteine, which is neutral and slightly polar, at codon 1091 of the DYSF protein (p.Arg1091Cys). This variant is present in population databases (rs765271624, gnomAD 0.003%). This variant has not been reported in the literature in individuals affected with DYSF-related conditions. ClinVar contains an entry for this variant (Variation ID: 1343569). Advanced modeling of protein sequence and biophysical properties (such as structural, functional, and spatial information, amino acid conservation, physicochemical variation, residue mobility, and thermodynamic stability) performed at Invitae indicates that this missense variant is expected to disrupt DYSF protein function. In summary, the available evidence is currently insufficient to determine the role of this variant in disease. Therefore, it has been classified as a Variant of Uncertain Significance.

Women's Health and Genetics/Laboratory Corporation of America, LabCorp
Classification: Uncertain significance. Last evaluated: 2022-02-18. Review status: criteria provided, single submitter. Criteria: LabCorp Variant Classification Summary - May 2015. Collection method: clinical testing. Allele origin: germline.

NM_001130987.2(DYSF):c.3325C>T (p.Arg1109Cys)

Gene: DYSF (dysferlin; plus strand). Cytogenetic location: 2p13.2.
Variant type: single nucleotide variant.
Coding change: c.3325C>T on transcript NM_001130987.2 (MANE Select); coding-DNA position 3325, C replaced by T.
Protein change: p.Arg1109Cys; replaces arginine 1109 with cysteine.
Molecular consequence: missense variant.
Genome position (GRCh38, 1-based): chr2:71,574,294, C>T. VCF-style: chr2-71574294-C-T. GRCh37 (hg19) VCF-style: chr2-71801424-C-T.
Other names: c.3274C>T, p.Arg1092Cys (NM_001130455.2, NM_001130983.2); c.3229C>T, p.Arg1077Cys (NM_001130976.2, NM_001130977.2); c.3271C>T, p.Arg1091Cys (NM_001130978.2, NM_003494.4); c.3364C>T, p.Arg1122Cys (NM_001130979.2); c.3322C>T, p.Arg1108Cys (NM_001130980.2, NM_001130981.2); c.3367C>T, p.Arg1123Cys (NM_001130982.2); c.3232C>T, p.Arg1078Cys (NM_001130984.2, NM_001130986.2); c.3325C>T, p.Arg1109Cys (NM_001130985.2); short protein forms R1077C, R1078C, R1091C, R1092C, R1108C, R1109C, R1122C, R1123C.
Identifiers: ClinVar variation 1343569 (VCV001343569.3), dbSNP rs765271624, ClinGen allele CA1706522.